The following is an entry in ClinVar:

NM_001162498.3(LPAR6):c.756T>C (p.Tyr252=)

Genes: LPAR6 (lysophosphatidic acid receptor 6; minus strand), RB1 (RB transcriptional corepressor 1; plus strand). Cytogenetic location: 13q14.2.
Variant type: single nucleotide variant.
Coding change: c.756T>C on transcript NM_001162498.3 (MANE Select); coding-DNA position 756, T replaced by C.
Protein change: p.Tyr252=; no amino-acid change (tyrosine 252 retained).
Molecular consequence: synonymous variant. On other transcripts: intron variant (2).
Genome position (GRCh38, 1-based): chr13:48,411,668, A>G on the plus strand (T>C on the coding strand, the complement: LPAR6 is on the minus strand). VCF-style: chr13-48411668-A-G. GRCh37 (hg19) VCF-style: chr13-48985804-A-G.
Other names: c.756T>C, p.Tyr252= (NM_001162497.3, NM_001377316.2, NM_001377317.2 and 1 more transcripts); c.1695+30225A>G (NM_001407165.1, NM_000321.3).
Identifiers: ClinVar variation 3044183 (VCV003044183.2), dbSNP rs944321155, ClinGen allele CA249284463.

ClinVar aggregate classification (germline): Likely benign (0 of 4 stars; one submission).

Conditions:
LPAR6-related disorder. Also called: LPAR6-related condition.

Allele frequency attached by ClinVar (database versions not stated): TOPMed below 0.00001; gnomAD 0.00001.
gnomAD v4.1: 8 of 1,611,080 alleles (0.0005%); highest among the groups gnomAD compares: Non-Finnish European, 0.00068%; no homozygotes.

Submission:

PreventionGenetics, part of Exact Sciences
Classification: Likely benign for LPAR6-related condition. Last evaluated: 2024-01-03. Review status: no assertion criteria provided. Collection method: clinical testing. Allele origin: germline.
Comment: This variant is classified as likely benign based on ACMG/AMP sequence variant interpretation guidelines (Richards et al. 2015 PMID: 25741868, with internal and published modifications).